The following is an entry in ClinVar:

NM_052947.4(ALPK2):c.3496G>C (p.Glu1166Gln)

Gene: ALPK2 (alpha kinase 2; minus strand). Cytogenetic location: 18q21.31.
Variant type: single nucleotide variant.
Coding change: c.3496G>C on transcript NM_052947.4 (MANE Select); coding-DNA position 3496, G replaced by C.
Protein change: p.Glu1166Gln; replaces glutamic acid 1166 with glutamine.
Molecular consequence: missense variant.
Genome position (GRCh38, 1-based): chr18:58,536,691, C>G on the plus strand (G>C on the coding strand, the complement: ALPK2 is on the minus strand). VCF-style: chr18-58536691-C-G. GRCh37 (hg19) VCF-style: chr18-56203923-C-G.
Other names: short protein forms E1166Q.
Identifiers: ClinVar variation 2626011 (VCV002626011.2), dbSNP rs200205546, ClinGen allele CA402566668.
Genomic context (GRCh38, chr18:58,536,691, plus strand): 5'-GCTGCCCTGCTCCTTCCCTAGAGCTTGCGGGTGAGTGGGCCGTGGGCACCAAGTTTCTTT[C>G]CTCTTGTGCAGCAGATGTCGTAGGCAAACTTTGTTGGAAATCAGGTGCAGAAAGAGAACC-3'
Protein context (NP_443179.3, residues 1156-1176): SLPTTSAAQE[Glu1166Gln]RNLVPTAHSP

ClinVar aggregate classification (germline): Uncertain significance (1 of 4 stars; one submission).

Submission:

Ambry Genetics
Classification: Uncertain significance. Last evaluated: 2023-07-29. Review status: criteria provided, single submitter. Criteria: Ambry Variant Classification Scheme 2023. Collection method: clinical testing. Allele origin: germline.
Comment: The p.E1166Q variant (also known as c.3496G>C), located in coding exon 4 of the ALPK2 gene, results from a G to C substitution at nucleotide position 3496. The glutamic acid at codon 1166 is replaced by glutamine, an amino acid with highly similar properties. This amino acid position is conserved. In addition, this alteration is predicted to be tolerated by in silico analysis. Since supporting evidence is limited at this time, the clinical significance of this alteration remains unclear.